The following is an entry in ClinVar:

NM_015378.4(VPS13D):c.10755G>A (p.Arg3585=)

Gene: VPS13D (vacuolar protein sorting 13 homolog D; plus strand). Cytogenetic location: 1p36.22.
Variant type: single nucleotide variant.
Coding change: c.10755G>A on transcript NM_015378.4 (MANE Select); coding-DNA position 10755, G replaced by A.
Protein change: p.Arg3585=; no amino-acid change (arginine 3585 retained).
Molecular consequence: synonymous variant.
Genome position (GRCh38, 1-based): chr1:12,369,649, G>A. VCF-style: chr1-12369649-G-A. GRCh37 (hg19) VCF-style: chr1-12429704-G-A.
Other names: c.10680G>A, p.Arg3560= (NM_018156.4).
Identifiers: ClinVar variation 748488 (VCV000748488.19), dbSNP rs779699599, ClinGen allele CA603773.

ClinVar aggregate classification (germline): Benign/Likely benign. Review status: criteria provided, multiple submitters, no conflicts (2 of 4 stars). 3 submissions from 3 submitters: Benign (1); Likely benign (1). 1 of the submissions does not count toward it. Last evaluated 2025-11-28.

Conditions:
VPS13D-related disorder. Also called: VPS13D-related condition.

Allele frequency attached by ClinVar (database versions not stated): gnomAD 0.00005 and 0.00006; TOPMed 0.00016; gnomAD exomes 0.00019; ExAC 0.00038.
gnomAD v4.1: 122 of 1,614,036 alleles (0.0076%); highest among the groups gnomAD compares: Admixed American, 0.2%; 1 homozygote.

Submissions (3):

Labcorp Genetics (formerly Invitae), Labcorp
Classification: Benign. Last evaluated: 2025-11-28. Review status: criteria provided, single submitter. Criteria: Invitae Variant Classification Sherloc (09022015). Collection method: clinical testing. Allele origin: germline.

CeGaT Center for Human Genetics Tuebingen
Classification: Likely benign. Last evaluated: 2025-08-01. Review status: criteria provided, single submitter. Criteria: CeGaT Center For Human Genetics Tuebingen Variant Classification Criteria Version 2. Collection method: clinical testing. Allele origin: germline. Affected: yes. Observed: 1 variant allele.
Comment: VPS13D: BP4, BP7

PreventionGenetics, part of Exact Sciences
Classification: Likely benign for VPS13D-related condition. Last evaluated: 2019-06-26. Review status: no assertion criteria provided. Collection method: clinical testing. Allele origin: germline. Not counted in ClinVar's aggregate classification.
Comment: This variant is classified as likely benign based on ACMG/AMP sequence variant interpretation guidelines (Richards et al. 2015 PMID: 25741868, with internal and published modifications).